The following is an entry in ClinVar:

ClinVar aggregate classification (germline): Uncertain significance (1 of 4 stars; one submission).

Conditions:
Inborn genetic diseases. Identifiers: MedGen C0950123, MeSH D030342.

Submission:

Ambry Genetics
Classification: Uncertain significance for Inborn genetic diseases. Last evaluated: 2025-07-19. Review status: criteria provided, single submitter. Criteria: Ambry Variant Classification Scheme 2023. Collection method: clinical testing. Allele origin: germline.
Comment: The p.S2N variant (also known as c.5G>A), located in coding exon 1 of the HAX1 gene, results from a G to A substitution at nucleotide position 5. The serine at codon 2 is replaced by asparagine, an amino acid with highly similar properties. This amino acid position is conserved. In addition, this alteration is predicted to be tolerated by in silico analysis. Based on the available evidence, the clinical significance of this variant remains unclear.

NM_006118.4(HAX1):c.5G>A (p.Ser2Asn)

Gene: HAX1 (HCLS1 associated protein X-1; plus strand). Cytogenetic location: 1q21.3.
Variant type: single nucleotide variant.
Coding change: c.5G>A on transcript NM_006118.4 (MANE Select); coding-DNA position 5, G replaced by A.
Protein change: p.Ser2Asn; replaces serine 2 with asparagine.
Molecular consequence: missense variant.
Genome position (GRCh38, 1-based): chr1:154,272,728, G>A. VCF-style: chr1-154272728-G-A. GRCh37 (hg19) VCF-style: chr1-154245204-G-A.
Other names: c.5G>A, p.Ser2Asn (NM_001018837.2); short protein forms S2N.
Identifiers: ClinVar variation 4269033 (VCV004269033.1).